The following is an entry in ClinVar:

ClinVar aggregate classification (germline): Likely benign. Review status: criteria provided, multiple submitters, no conflicts (2 of 4 stars). 7 submissions from 7 submitters: Likely benign (7). Last evaluated 2026-04-22.

Conditions:
MYH11-related disorder. Also called: MYH11-related condition.
Familial thoracic aortic aneurysm and aortic dissection (TAAD). Also called: Thoracic aortic aneurysms and dissections. Identifiers: Orphanet 91387, MedGen C4707243, MONDO:0019625.
Aortic aneurysm, familial thoracic 4 (AAT4). Also called: AORTIC ANEURYSM/AORTIC DISSECTION AND PATENT DUCTUS ARTERIOSUS. Identifiers: MedGen C1851504, MONDO:0007568, OMIM 132900.

Allele frequency attached by ClinVar (database versions not stated): gnomAD 0.00003; TOPMed 0.00005.
gnomAD v4.1: 44 of 1,614,198 alleles (0.0027%); highest among the groups gnomAD compares: Admixed American, 0.037%; no homozygotes.

Submissions (7):

PreventionGenetics, part of Exact Sciences
Classification: Likely benign for MYH11-related condition. Last evaluated: 2026-04-22. Review status: criteria provided, single submitter. Criteria: ACMG Guidelines, 2015. Collection method: clinical testing. Allele origin: germline.
Comment: This variant is classified as likely benign based on ACMG/AMP sequence variant interpretation guidelines (Richards et al. 2015 PMID: 25741868, with internal and published modifications).

Labcorp Genetics (formerly Invitae), Labcorp
Classification: Likely benign for Aortic aneurysm, familial thoracic 4. Last evaluated: 2025-10-21. Review status: criteria provided, single submitter. Criteria: Invitae Variant Classification Sherloc (09022015). Collection method: clinical testing. Allele origin: germline.

Ambry Genetics
Classification: Likely benign for Familial thoracic aortic aneurysm and aortic dissection. Last evaluated: 2024-08-15. Review status: criteria provided, single submitter. Criteria: Ambry Variant Classification Scheme 2023. Collection method: clinical testing. Allele origin: germline.

All of Us Research Program, National Institutes of Health
Classification: Likely benign for Familial thoracic aortic aneurysm and aortic dissection. Last evaluated: 2023-12-01. Review status: criteria provided, single submitter. Criteria: ACMG Guidelines, 2015. Collection method: clinical testing. Allele origin: germline. Inheritance: Autosomal dominant inheritance. Observed: 15 variant alleles, 15 heterozygotes.
Comment: This study involves interpretation of variants in research participants for the purpose of population health screening. Participant phenotype was not available at the time of variant classification. Additional details can be found in publication PMID: 35346344, PMCID: PMC8962531

Color Diagnostics, LLC DBA Color Health
Classification: Likely benign for Familial thoracic aortic aneurysm and aortic dissection. Last evaluated: 2019-03-07. Review status: criteria provided, single submitter. Criteria: ACMG Guidelines, 2015. Collection method: clinical testing. Allele origin: germline.

CHEO Genetics Diagnostic Laboratory, Children's Hospital of Eastern Ontario
Classification: Likely benign for Familial thoracic aortic aneurysm and aortic dissection. Last evaluated: 2017-10-12. Review status: criteria provided, single submitter. Criteria: ACMG Guidelines, 2015. Collection method: clinical testing. Allele origin: germline. Study: Canadian Open Genetics Repository.

GeneDx
Classification: Likely benign. Last evaluated: 2015-12-07. Review status: criteria provided, single submitter. Criteria: GeneDx Variant Classification (06012015). Collection method: clinical testing. Allele origin: germline. Affected: yes.
Comment: This variant is considered likely benign or benign based on one or more of the following criteria: it is a conservative change, it occurs at a poorly conserved position in the protein, it is predicted to be benign by multiple in silico algorithms, and/or has population frequency not consistent with disease.

NM_002474.3(MYH11):c.1503C>T (p.Arg501=)

Gene: MYH11 (myosin heavy chain 11; minus strand). Cytogenetic location: 16p13.11.
Variant type: single nucleotide variant.
Coding change: c.1503C>T on transcript NM_002474.3 (MANE Select); coding-DNA position 1503, C replaced by T.
Protein change: p.Arg501=; no amino-acid change (arginine 501 retained).
Molecular consequence: synonymous variant.
Genome position (GRCh38, 1-based): chr16:15,757,899, G>A on the plus strand (C>T on the coding strand, the complement: MYH11 is on the minus strand). VCF-style: chr16-15757899-G-A. GRCh37 (hg19) VCF-style: chr16-15851756-G-A.
Other names: c.1524C>T, p.Arg508= (NM_001040113.2, NM_001040114.2); c.1503C>T, p.Arg501= (NM_022844.3).
Identifiers: ClinVar variation 382023 (VCV000382023.15), dbSNP rs776843079, ClinGen allele CA7922597.